The following is an entry in ClinVar:

NM_001267550.2(TTN):c.98098+1G>T

Genes: TTN (titin; minus strand), TTN-AS1 (TTN antisense RNA 1; plus strand). Cytogenetic location: 2q31.2.
Variant type: single nucleotide variant.
Coding change: c.98098+1G>T on transcript NM_001267550.2 (MANE Select); the canonical splice donor site of the intron after coding-DNA position 98098, G replaced by T.
Molecular consequence: splice donor variant.
Genome position (GRCh38, 1-based): chr2:178,540,067, C>A on the plus strand (G>T on the coding strand, the complement: TTN is on the minus strand). VCF-style: chr2-178540067-C-A. GRCh37 (hg19) VCF-style: chr2-179404794-C-A.
Other names: c.70903+1G>T (NM_003319.4); c.71479+1G>T (NM_133437.4); c.71278+1G>T (NM_133432.3); c.90394+1G>T (NM_133378.4); c.93175+1G>T (NM_001256850.1).
Identifiers: ClinVar variation 2946914 (VCV002946914.3), dbSNP rs2468790570, ClinGen allele CA349434865.

ClinVar aggregate classification (germline): Likely pathogenic (1 of 4 stars; one submission).

Conditions:
Dilated cardiomyopathy 1G (CMD1G). Identifiers: Orphanet 154, MedGen C1858763, MONDO:0011400, OMIM 604145.
Autosomal recessive limb-girdle muscular dystrophy type 2J (LGMDR10). Also called: Limb-girdle muscular dystrophy, type 2J; MUSCULAR DYSTROPHY, LIMB-GIRDLE, AUTOSOMAL RECESSIVE 10. Identifiers: Orphanet 140922, MedGen C1837342, MONDO:0012127, OMIM 608807.

Submission:

Labcorp Genetics (formerly Invitae), Labcorp
Classification: Likely pathogenic for Dilated cardiomyopathy 1G; Autosomal recessive limb-girdle muscular dystrophy type 2J. Last evaluated: 2023-04-19. Review status: criteria provided, single submitter. Criteria: Invitae Variant Classification Sherloc (09022015). Collection method: clinical testing. Allele origin: germline.
Comment: This sequence change affects a donor splice site in intron 351 of the TTN gene. It is expected to disrupt RNA splicing and likely results in a truncated or disrupted TTN protein. This variant is located in the A band of TTN (PMID: 25589632). Truncating variants in this region are significantly overrepresented in patients affected with dilated cardiomyopathy (PMID: 25589632). Truncating variants in this region have also been reported in individuals affected with autosomal recessive centronuclear myopathy (PMID: 23975875). Algorithms developed to predict the effect of sequence changes on RNA splicing suggest that this variant may disrupt the consensus splice site. This variant has not been reported in the literature in individuals affected with TTN-related conditions. This variant is not present in population databases (gnomAD no frequency). In summary, the currently available evidence indicates that the variant is pathogenic, but additional data are needed to prove that conclusively. Therefore, this variant has been classified as Likely Pathogenic.

Literature cited by the submitters: PubMed 25589632; PubMed 23975875.